The following is an entry in ClinVar:

NM_000229.2(LCAT):c.167T>C (p.Leu56Pro)

Gene: LCAT (lecithin-cholesterol acyltransferase; minus strand). Cytogenetic location: 16q22.1.
Variant type: single nucleotide variant.
Coding change: c.167T>C on transcript NM_000229.2 (MANE Select); coding-DNA position 167, T replaced by C.
Protein change: p.Leu56Pro; replaces leucine 56 with proline.
Molecular consequence: missense variant.
Genome position (GRCh38, 1-based): chr16:67,943,200, A>G on the plus strand (T>C on the coding strand, the complement: LCAT is on the minus strand). VCF-style: chr16-67943200-A-G. GRCh37 (hg19) VCF-style: chr16-67977103-A-G.
Other names: short protein forms L56P.
Identifiers: ClinVar variation 3581216 (VCV003581216.4).

ClinVar aggregate classification (germline): Conflicting classifications of pathogenicity. Review status: criteria provided, conflicting classifications (1 of 4 stars). 3 submissions from 3 submitters: Likely pathogenic (2); Uncertain significance (1). Last evaluated 2024-06-10.

Conditions:
Decreased circulating HDL-C concentration. Also called: Hypoalphalipoproteinemia; Decreased circulating high-density lipoprotein levels; Decreased HDL cholesterol concentration. Identifiers: Orphanet 31153, MedGen C0151691, MONDO:0017773, HP:0003233.
Fish-eye disease (FED). Also called: LCATA DEFICIENCY; ALPHA-LCAT DEFICIENCY; DYSLIPOPROTEINEMIC CORNEAL DYSTROPHY. Identifiers: Orphanet 650, Orphanet 79292, MedGen C0342895, MONDO:0007620, OMIM 136120.
Norum disease. Also called: Familial lecithin cholesterol acyltransferase deficiency. Identifiers: Orphanet 79293, MedGen C0023195, MONDO:0009515, OMIM 245900.

Submissions (3):

Fulgent Genetics
Classification: Likely pathogenic for Fish-eye disease; Norum disease. Last evaluated: 2024-06-10. Review status: criteria provided, single submitter. Criteria: ACMG Guidelines, 2015. Collection method: clinical testing. Allele origin: germline.

Labcorp Genetics (formerly Invitae), Labcorp
Classification: Uncertain significance. Last evaluated: 2024-06-06. Review status: criteria provided, single submitter. Criteria: Invitae Variant Classification Sherloc (09022015). Collection method: clinical testing. Allele origin: germline.
Comment: This sequence change replaces leucine, which is neutral and non-polar, with proline, which is neutral and non-polar, at codon 56 of the LCAT protein (p.Leu56Pro). This variant is present in population databases (rs762600330, gnomAD 0.005%). This missense change has been observed in individuals with clinical features of LCAT deficiency (PMID: 9180249, 15297675, 17526537; Invitae). This variant is also known as Leu32Pro. Advanced modeling of protein sequence and biophysical properties (such as structural, functional, and spatial information, amino acid conservation, physicochemical variation, residue mobility, and thermodynamic stability) has been performed at Invitae for this missense variant, however the output from this modeling did not meet the statistical confidence thresholds required to predict the impact of this variant on LCAT protein function. In summary, the available evidence is currently insufficient to determine the role of this variant in disease. Therefore, it has been classified as a Variant of Uncertain Significance.

Cardiovascular Genetics Laboratory, PathWest Laboratory Medicine WA - Fiona Stanley Hospital
Classification: Likely pathogenic for Decreased circulating HDL-C concentration. Last evaluated: 2022-12-02. Review status: criteria provided, single submitter. Criteria: ACMG Guidelines, 2015. Collection method: clinical testing. Allele origin: germline. Affected: yes.
Comment: The LCAT p.Leu56Pro (originally Leu32Pro) missense variant is present at a very low frequency (5/245,062 alleles) in the gnomAD population database, and has previously been identified in compound heterozygous form in one patient with familial LCAT deficiency and heterozygous form in an individual with low HDL-cholesterol (PMID: 15297675, 17526537). Functional studies demonstrated that p.Leu56Pro results in reduced secretion and very low activity compared to wild-type LCAT (PMID: 7658168).

Literature cited by the submitters: PubMed 9180249 (cited by Labcorp Genetics (formerly Invitae), Labcorp); PubMed 15297675 (cited by Labcorp Genetics (formerly Invitae), Labcorp and Cardiovascular Genetics Laboratory, PathWest Laboratory Medicine WA - Fiona Stanley Hospital); PubMed 17526537 (cited by Labcorp Genetics (formerly Invitae), Labcorp and Cardiovascular Genetics Laboratory, PathWest Laboratory Medicine WA - Fiona Stanley Hospital); PubMed 7658168 (cited by Cardiovascular Genetics Laboratory, PathWest Laboratory Medicine WA - Fiona Stanley Hospital).